The following is an entry in ClinVar:

ClinVar aggregate classification (germline): Pathogenic (1 of 4 stars; one submission).

Conditions:
Niemann-Pick disease, type C1. Also called: NEUROVISCERAL STORAGE DISEASE WITH VERTICAL SUPRANUCLEAR OPHTHALMOPLEGIA; NIEMANN-PICK DISEASE WITH CHOLESTEROL ESTERIFICATION BLOCK; NIEMANN-PICK DISEASE WITHOUT SPHINGOMYELINASE DEFICIENCY; NIEMANN-PICK DISEASE, CHRONIC NEURONOPATHIC FORM; NIEMANN-PICK DISEASE, VARIANT TYPE C1. Identifiers: Orphanet 646, MedGen C3179455, MONDO:0009757, OMIM 257220.

Submission:

Labcorp Genetics (formerly Invitae), Labcorp
Classification: Pathogenic for Niemann-Pick disease, type C1. Last evaluated: 2019-06-13. Review status: criteria provided, single submitter. Criteria: Invitae Variant Classification Sherloc (09022015). Collection method: clinical testing. Allele origin: germline.
Comment: This sequence change creates a premature translational stop signal (p.Gly500Argfs*26) in the NPC1 gene. It is expected to result in an absent or disrupted protein product. This variant is not present in population databases (ExAC no frequency). This variant has not been reported in the literature in individuals with NPC1-related conditions. Loss-of-function variants in NPC1 are known to be pathogenic (PMID: 9211850). For these reasons, this variant has been classified as Pathogenic.

Literature cited by the submitters: PubMed 9211850.

NM_000271.5(NPC1):c.1497dup (p.Gly500fs)

Gene: NPC1 (NPC intracellular cholesterol transporter 1; minus strand). Cytogenetic location: 18q11.2.
Variant type: Duplication.
Coding change: c.1497dup on transcript NM_000271.5 (MANE Select); coding-DNA position 1497, one base duplicated (A; older notation c.1497dupA).
Protein change: p.Gly500fs; shifts the reading frame from glycine 500.
Molecular consequence: frameshift variant.
Genome position (GRCh38, 1-based): chr18:23,554,814, T duplicated on the plus strand (A on the coding strand, the reverse complement: NPC1 is on the minus strand); the first of 3 consecutive T bases (chr18:23,554,814-23,554,816); duplicating any one gives the same sequence. VCF-style (leftmost placement, unchanged base first): chr18-23554813-C-CT. GRCh37 (hg19) VCF-style: chr18-21134777-C-CT.
Other names: short protein forms G500fs.
Identifiers: ClinVar variation 952147 (VCV000952147.7), dbSNP rs2058926540, ClinGen allele CA1139665984.